The following is an entry in ClinVar:

ClinVar aggregate classification (germline): Likely benign (1 of 4 stars; one submission).

Conditions:
ALG6-congenital disorder of glycosylation 1C (CDG1C). Also called: CDG Ic; CARBOHYDRATE-DEFICIENT GLYCOPROTEIN SYNDROME, TYPE I, WITH DEFICIENT GLYCOSYLATION OF DOLICHOL-LINKED OLIGOSACCHARIDE; CARBOHYDRATE-DEFICIENT GLYCOPROTEIN SYNDROME, TYPE V; Congenital disorder of glycosylation type 1C; Congenital disorder of glycosylation, type Ic. Identifiers: Orphanet 79320, MedGen C2930997, MONDO:0011291, OMIM 603147.

Allele frequency attached by ClinVar (database versions not stated): gnomAD 0.00780 and 0.00822; TOPMed 0.00876; 1000 Genomes Project 0.01058; 1000 Genomes Project 30x 0.01124.

Submission:

Illumina Laboratory Services, Illumina
Classification: Likely benign for ALG6-congenital disorder of glycosylation 1C. Last evaluated: 2018-01-12. Review status: criteria provided, single submitter. Criteria: ICSL Variant Classification Criteria 13 December 2019. Collection method: clinical testing. Allele origin: germline.
Comment: This variant was observed in the ICSL laboratory as part of a predisposition screen in an ostensibly healthy population. It had not been previously curated by ICSL or reported in the Human Gene Mutation Database (HGMD: prior to June 1st, 2018), and was therefore a candidate for classification through an automated scoring system. Utilizing variant allele frequency, disease prevalence and penetrance estimates, and inheritance mode, an automated score was calculated to assess if this variant is too frequent to cause the disease. Based on the score and internal cut-off values, a variant classified as likely benign is not then subjected to further curation. The score for this variant resulted in a classification of likely benign for this disease.

NM_013339.4(ALG6):c.*1434T>C

Gene: ALG6 (ALG6 alpha-1,3-glucosyltransferase; plus strand). Cytogenetic location: 1p31.3.
Variant type: single nucleotide variant.
Coding change: c.*1434T>C on transcript NM_013339.4 (MANE Select); 1434 bases downstream of the stop codon, T replaced by C.
Molecular consequence: 3 prime UTR variant.
Genome position (GRCh38, 1-based): chr1:63,438,454, T>C. VCF-style: chr1-63438454-T-C. GRCh37 (hg19) VCF-style: chr1-63904125-T-C.
Other names: c.*1434T>C (LRG_1260t1).
Identifiers: ClinVar variation 297870 (VCV000297870.5), dbSNP rs141443584, ClinGen allele CA10610614.